The following is an entry in ClinVar:

NM_006206.6(PDGFRA):c.474T>C (p.Pro158=)

Gene: PDGFRA (platelet derived growth factor receptor alpha; plus strand). Cytogenetic location: 4q12.
Variant type: single nucleotide variant.
Coding change: c.474T>C on transcript NM_006206.6 (MANE Select); coding-DNA position 474, T replaced by C.
Protein change: p.Pro158=; no amino-acid change (proline 158 retained).
Molecular consequence: synonymous variant.
Genome position (GRCh38, 1-based): chr4:54,263,773, T>C. VCF-style: chr4-54263773-T-C. GRCh37 (hg19) VCF-style: chr4-55129940-T-C.
Other names: c.474T>C, p.Pro158= (NM_001347827.2, NM_001347829.2); c.549T>C, p.Pro183= (NM_001347828.2); c.513T>C, p.Pro171= (NM_001347830.2).
Identifiers: ClinVar variation 1742841 (VCV001742841.5), dbSNP rs1722881178, ClinGen allele CA439408751.

ClinVar aggregate classification (germline): Benign/Likely benign. Review status: criteria provided, multiple submitters, no conflicts (2 of 4 stars). 3 submissions from 3 submitters: Benign (1); Likely benign (2). Last evaluated 2026-06-16.

Conditions:
Polyps, multiple and recurrent inflammatory fibroid, gastrointestinal. Identifiers: MedGen C5193005, MONDO:0008285, OMIM 175510.
Hereditary cancer-predisposing syndrome. Also called: Neoplastic Syndromes, Hereditary; Tumor predisposition; Hereditary Cancer Syndrome; Hereditary neoplastic syndrome. Identifiers: Orphanet 140162, MedGen C0027672, MeSH D009386, MONDO:0015356.
Gastrointestinal stromal tumor. Also called: Gastrointestinal stromal tumor, somatic; Gastrointestinal stroma tumor. Identifiers: Orphanet 44890, MedGen C0238198, MeSH D046152, MONDO:0011719, OMIM 606764, HP:0100723.

Allele frequency attached by ClinVar (database versions not stated): TOPMed below 0.00001; gnomAD 0.00001.
gnomAD v4.1: 1 of 1,614,014 alleles (0.000062%); highest among the groups gnomAD compares: Admixed American, 0.0017%; no homozygotes.

Submissions (3):

Myriad Genetics, Inc.
Classification: Benign for Polyps, multiple and recurrent inflammatory fibroid, gastrointestinal. Last evaluated: 2026-06-16. Review status: criteria provided, single submitter. Criteria: Myriad Autosomal Dominant, Autosomal Recessive and X-Linked Classification Criteria (2023). Collection method: clinical testing. Allele origin: unknown.
Comment: This variant is considered benign. This variant is a silent/synonymous amino acid change and it is not expected to impact splicing.

Labcorp Genetics (formerly Invitae), Labcorp
Classification: Likely benign for Gastrointestinal stromal tumor. Last evaluated: 2025-04-27. Review status: criteria provided, single submitter. Criteria: Invitae Variant Classification Sherloc (09022015). Collection method: clinical testing. Allele origin: germline.

Ambry Genetics
Classification: Likely benign for Hereditary cancer-predisposing syndrome. Last evaluated: 2022-09-30. Review status: criteria provided, single submitter. Criteria: Ambry Variant Classification Scheme 2023. Collection method: clinical testing. Allele origin: germline.